The following is an entry in ClinVar:

NM_000098.3(CPT2):c.1595_1601del (p.Met532fs)

Gene: CPT2 (carnitine palmitoyltransferase 2; plus strand). Cytogenetic location: 1p32.3.
Variant type: Deletion.
Coding change: c.1595_1601del on transcript NM_000098.3 (MANE Select); coding-DNA positions 1595 to 1601, 7 bases deleted (TGGTTGA; older notation c.1595_1601delTGGTTGA).
Protein change: p.Met532fs; shifts the reading frame from methionine 532.
Molecular consequence: frameshift variant. On other transcripts: intron variant (1).
Genome position (GRCh38, 1-based): chr1:53,211,269-53,211,275, TGGTTGA deleted; deleting any 7 consecutive bases within chr1:53,211,266-53,211,275 gives the same sequence; the c. name uses the placement nearest the transcript's 3' end. VCF-style (leftmost placement, unchanged base first): chr1-53211265-ATGATGGT-A. GRCh37 (hg19) VCF-style: chr1-53676937-ATGATGGT-A.
Other names: c.1576+19_1576+25del (NM_001330589.2); short protein forms M532fs.
Identifiers: ClinVar variation 652620 (VCV000652620.8), dbSNP rs1572385973, ClinGen allele CA915941290.

ClinVar aggregate classification (germline): Likely pathogenic (1 of 4 stars; one submission).

Conditions:
Carnitine palmitoyltransferase II deficiency. Also called: Carnitine Palmitoyltransferase 2 Deficiency. Identifiers: Orphanet 157, MedGen C0342790, MONDO:0015515.

Submission:

Labcorp Genetics (formerly Invitae), Labcorp
Classification: Likely pathogenic for Carnitine palmitoyltransferase II deficiency. Last evaluated: 2018-10-04. Review status: criteria provided, single submitter. Criteria: Invitae Variant Classification Sherloc (09022015). Collection method: clinical testing. Allele origin: germline.
Comment: This variant is not present in population databases (ExAC no frequency). This sequence change results in a premature translational stop signal in the CPT2 gene (p.Met532Serfs*9). While this is not anticipated to result in nonsense mediated decay, it is expected to disrupt the last 127 amino acids of the CPT2 protein. In summary, the currently available evidence indicates that the variant is pathogenic, but additional data are needed to prove that conclusively. Therefore, this variant has been classified as Likely Pathogenic. This variant disrupts the C-terminus of the CPT2 protein. Other variants that disrupt this region (p.Glu645Argfs*4, p.Phe602Leufs*20, p.Val606Leufs*2, p.Tyr579*) have been observed in affected individuals (PMID: 17936304, 18577113, 23700290, 16996287). This suggests that this may be a clinically significant region of the protein. Experimental studies and prediction algorithms are not available for this variant, and the functional significance of the affected amino acid(s) is currently unknown. This variant has not been reported in the literature in individuals with CPT2-related disease.

Literature cited by the submitters: PubMed 17936304; PubMed 18577113; PubMed 23700290; PubMed 16996287.